The following is an entry in ClinVar:

NM_001127222.2(CACNA1A):c.4089+71T>C

Gene: CACNA1A (calcium voltage-gated channel subunit alpha1 A; minus strand). Cytogenetic location: 19p13.13.
Variant type: single nucleotide variant.
Coding change: c.4089+71T>C on transcript NM_001127222.2 (MANE Select); 71 bases into the intron after coding-DNA position 4089, T replaced by C.
Molecular consequence: intron variant.
Genome position (GRCh38, 1-based): chr19:13,262,663, A>G on the plus strand (T>C on the coding strand, the complement: CACNA1A is on the minus strand). VCF-style: chr19-13262663-A-G. GRCh37 (hg19) VCF-style: chr19-13373477-A-G.
Other names: c.4092+71T>C (NM_001127221.2, NM_001174080.2); c.4101+71T>C (NM_000068.4, NM_023035.3).
Identifiers: ClinVar variation 678175 (VCV000678175.6), dbSNP rs16031, ClinGen allele CA16568542.

ClinVar aggregate classification (germline): Benign. Review status: criteria provided, multiple submitters, no conflicts (2 of 4 stars). 7 submissions from 4 submitters: Benign (7). Last evaluated 2024-07-15.

Conditions:
Developmental and epileptic encephalopathy, 42 (DEE42A). Also called: Epileptic encephalopathy, early infantile, 42; DEVELOPMENTAL AND EPILEPTIC ENCEPHALOPATHY 42A; EPILEPTIC ENCEPHALOPATHY, EARLY INFANTILE, 42A. Identifiers: MedGen C4310716, MONDO:0014917, OMIM 617106.
Migraine, familial hemiplegic, 1. Also called: MIGRAINE, FAMILIAL HEMIPLEGIC 1, WITH PROGRESSIVE CEREBELLAR ATAXIA. Identifiers: Orphanet 569, MedGen C1832884, MONDO:0020756, OMIM 141500, MONDO:0007714.
Spinocerebellar ataxia type 6 (SCA6). Identifiers: Orphanet 98758, MedGen C0752124, MONDO:0008457, OMIM 183086.
Episodic ataxia type 2 (EA2). Also called: ACETAZOLAMIDE-RESPONSIVE HEREDITARY PAROXYSMAL CEREBELLAR ATAXIA; ATAXIA, FAMILIAL PAROXYSMAL; CEREBELLAR ATAXIA, PAROXYSMAL, ACETAZOLAMIDE-RESPONSIVE; CEREBELLOPATHY, HEREDITARY PAROXYSMAL; EPISODIC ATAXIA, NYSTAGMUS-ASSOCIATED; ATAXIA, EPISODIC, WITH NYSTAGMUS. Identifiers: Orphanet 97, MedGen C1720416, MONDO:0007163, OMIM 108500.

Allele frequency attached by ClinVar (database versions not stated): 1000 Genomes Project 30x 0.42224; 1000 Genomes Project 0.42931; TOPMed 0.50961; gnomAD 0.52924 and 0.53636; gnomAD exomes 0.57919.
gnomAD v4.1: 514,969 of 902,198 alleles (57%); highest among the groups gnomAD compares: Non-Finnish European, 64%; 153,607 homozygotes.

Submissions (7):

Unidad de Genómica Garrahan, Hospital de Pediatría Garrahan
Classification: Benign. Last evaluated: 2024-07-15. Review status: criteria provided, single submitter. Criteria: ACMG Guidelines, 2015. Collection method: clinical testing. Allele origin: germline. Affected: no. Observed: 44 variant alleles.
Comment: This variant is classified as Benign based on local population frequency. This variant was detected in 47% of patients studied in a panel designed for Epileptic and Developmental Encephalopathy and Progressive Myoclonus Epilepsy. Number of patients: 44. Only high quality variants are reported.

Genome-Nilou Lab
Classification: Benign for Developmental and epileptic encephalopathy, 42. Last evaluated: 2021-07-14. Review status: criteria provided, single submitter. Criteria: ACMG Guidelines, 2015. Collection method: clinical testing. Allele origin: germline. Affected: no.

Genome-Nilou Lab
Classification: Benign for Episodic ataxia type 2. Last evaluated: 2021-07-14. Review status: criteria provided, single submitter. Criteria: ACMG Guidelines, 2015. Collection method: clinical testing. Allele origin: germline. Affected: no.

Genome-Nilou Lab
Classification: Benign for Migraine, familial hemiplegic, 1. Last evaluated: 2021-07-14. Review status: criteria provided, single submitter. Criteria: ACMG Guidelines, 2015. Collection method: clinical testing. Allele origin: germline. Affected: no.

Genome-Nilou Lab
Classification: Benign for Spinocerebellar ataxia type 6. Last evaluated: 2021-07-14. Review status: criteria provided, single submitter. Criteria: ACMG Guidelines, 2015. Collection method: clinical testing. Allele origin: germline. Affected: no.

GeneDx
Classification: Benign. Last evaluated: 2018-06-14. Review status: criteria provided, single submitter. Criteria: GeneDx Variant Classification (06012015). Collection method: clinical testing. Allele origin: germline. Affected: yes.
Comment: This variant is considered likely benign or benign based on one or more of the following criteria: it is a conservative change, it occurs at a poorly conserved position in the protein, it is predicted to be benign by multiple in silico algorithms, and/or has population frequency not consistent with disease.

Breakthrough Genomics
Classification: Benign. Review status: criteria provided, single submitter. Criteria: ACMG Guidelines, 2015. Collection method: not provided. Allele origin: germline. Inheritance: Autosomal dominant inheritance. Affected: yes.